The following is an entry in ClinVar:

NM_000179.3(MSH6):c.3624T>C (p.Ser1208=)

Gene: MSH6 (mutS homolog 6; plus strand). Cytogenetic location: 2p16.3.
Variant type: single nucleotide variant.
Coding change: c.3624T>C on transcript NM_000179.3 (MANE Select); coding-DNA position 3624, T replaced by C.
Protein change: p.Ser1208=; no amino-acid change (serine 1208 retained).
Molecular consequence: synonymous variant.
Genome position (GRCh38, 1-based): chr2:47,805,685, T>C. VCF-style: chr2-47805685-T-C. GRCh37 (hg19) VCF-style: chr2-48032824-T-C.
Other names: c.3234T>C, p.Ser1078= (NM_001281492.2); c.2718T>C, p.Ser906= (NM_001281493.2, NM_001281494.2); c.3624T>C (NM_000179.2).
Identifiers: ClinVar variation 1082759 (VCV001082759.11), dbSNP rs2104525498, ClinGen allele CA425997293.
Genomic context (GRCh38, chr2:47,805,685, plus strand): 5'-TACATTTTTTGTTGAATTAAGTGAAACTGCCAGCATACTCATGCATGCAACAGCACATTC[T>C]CTGGTGCTTGTGGATGAATTAGGTAAGACATTAAACTTCTCATTTGAAGACTATCTATCT-3'
Protein context (NP_000170.1, residues 1198-1218): ASILMHATAH[Ser1208=]LVLVDELGRG

ClinVar aggregate classification (germline): Benign/Likely benign. Review status: criteria provided, multiple submitters, no conflicts (2 of 4 stars). 3 submissions from 3 submitters: Benign (1); Likely benign (2). Last evaluated 2026-02-19.

Conditions:
Lynch syndrome 5 (LYNCH5). Also called: Colorectal cancer, hereditary nonpolyposis, type 5; Hereditary non-polyposis colorectal cancer, type 5. Identifiers: Orphanet 144, MedGen C1833477, MONDO:0013710, OMIM 614350. Disease mechanism: loss of function.
Hereditary nonpolyposis colorectal neoplasms. Identifiers: MedGen C0009405, MeSH D003123.
Hereditary cancer-predisposing syndrome. Also called: Hereditary Cancer Syndrome; Neoplastic Syndromes, Hereditary; Tumor predisposition; Hereditary neoplastic syndrome. Identifiers: Orphanet 140162, MedGen C0027672, MeSH D009386, MONDO:0015356.

Submissions (3):

Ambry Genetics
Classification: Likely benign for Hereditary cancer-predisposing syndrome. Last evaluated: 2026-02-19. Review status: criteria provided, single submitter. Criteria: Ambry Variant Classification Scheme 2023. Collection method: clinical testing. Allele origin: germline.

Labcorp Genetics (formerly Invitae), Labcorp
Classification: Likely benign for Hereditary nonpolyposis colorectal neoplasms. Last evaluated: 2025-12-23. Review status: criteria provided, single submitter. Criteria: Invitae Variant Classification Sherloc (09022015). Collection method: clinical testing. Allele origin: germline.

Myriad Genetics, Inc.
Classification: Benign for Lynch syndrome 5. Last evaluated: 2025-01-07. Review status: criteria provided, single submitter. Criteria: Myriad Autosomal Dominant, Autosomal Recessive and X-Linked Classification Criteria (2023). Collection method: clinical testing. Allele origin: unknown.
Comment: This variant is considered benign. This variant is a silent/synonymous amino acid change and it is not expected to impact splicing.